The following is an entry in ClinVar:

ClinVar aggregate classification (germline): Uncertain significance (1 of 4 stars; one submission).

Submission:

Laboratory for Molecular Medicine, Mass General Brigham Personalized Medicine
Classification: Uncertain significance. Last evaluated: 2016-01-27. Review status: criteria provided, single submitter. Criteria: LMM Criteria. Collection method: clinical testing. Allele origin: germline. Observed: 1 variant allele.
Comment: The p.Gly653Ser variant in KCNQ4 has not been previously reported in individuals with hearing loss and is absent from large population studies. Computational pr ediction tools and conservation analysis suggest that the p.Gly653Ser variant ma y not impact the protein, though this information is not predictive enough to ru le out pathogenicity. In summary, the clinical significance of the p.Gly653Ser v ariant is uncertain.

NM_004700.4(KCNQ4):c.1957G>A (p.Gly653Ser)

Gene: KCNQ4 (potassium voltage-gated channel subfamily Q member 4; plus strand). Cytogenetic location: 1p34.2.
Variant type: single nucleotide variant.
Coding change: c.1957G>A on transcript NM_004700.4 (MANE Select); coding-DNA position 1957, G replaced by A.
Protein change: p.Gly653Ser; replaces glycine 653 with serine.
Molecular consequence: missense variant.
Genome position (GRCh38, 1-based): chr1:40,838,392, G>A. VCF-style: chr1-40838392-G-A. GRCh37 (hg19) VCF-style: chr1-41304064-G-A.
Other names: c.1795G>A, p.Gly599Ser (NM_172163.3); short protein forms G653S, G599S.
Identifiers: ClinVar variation 228773 (VCV000228773.4), dbSNP rs876657839, ClinGen allele CA10576428.